The following is an entry in ClinVar:

NM_001184727.2(GPRASP1):c.2300A>G (p.Glu767Gly)

Genes: ARMCX5-GPRASP2 (ARMCX5-GPRASP2 readthrough; plus strand), GPRASP1 (G protein-coupled receptor associated sorting protein 1; plus strand). Cytogenetic location: Xq22.1.
Variant type: single nucleotide variant.
Coding change: c.2300A>G on transcript NM_001184727.2 (MANE Select); coding-DNA position 2300, A replaced by G.
Protein change: p.Glu767Gly; replaces glutamic acid 767 with glycine.
Molecular consequence: missense variant. On other transcripts: intron variant (2).
Genome position (GRCh38, 1-based): chrX:102,656,213, A>G. VCF-style: chrX-102656213-A-G. GRCh37 (hg19) VCF-style: chrX-101911141-A-G.
Other names: c.2300A>G, p.Glu767Gly (NM_014710.5, NM_001099410.2, NM_001099411.2); c.-480+50560A>G (NM_001199818.1); c.-966+50560A>G (NM_001350268.2); short protein forms E767G.
Identifiers: ClinVar variation 4673476 (VCV004673476.1).

ClinVar aggregate classification (germline): Uncertain significance (1 of 4 stars; one submission).

Submission:

Ambry Genetics
Classification: Uncertain significance. Last evaluated: 2025-10-24. Review status: criteria provided, single submitter. Criteria: Ambry Variant Classification Scheme 2023. Collection method: clinical testing. Allele origin: germline.
Comment: The c.2300A>G (p.E767G) alteration is located in exon 6 (coding exon 1) of the GPRASP1 gene. This alteration results from a A to G substitution at nucleotide position 2300, causing the glutamic acid (E) at amino acid position 767 to be replaced by a glycine (G). Based on data from gnomAD, the G allele has an overall frequency of <0.001% (1/183418) total alleles studied. The highest observed frequency was 0.001% (1/81888) of European (non-Finnish) alleles. Based on insufficient or conflicting evidence, the clinical significance of this alteration remains unclear.